The following is an entry in ClinVar:

ClinVar aggregate classification (germline): Uncertain significance (1 of 4 stars; one submission).

Submission:

Labcorp Genetics (formerly Invitae), Labcorp
Classification: Uncertain significance. Last evaluated: 2023-12-02. Review status: criteria provided, single submitter. Criteria: Invitae Variant Classification Sherloc (09022015). Collection method: clinical testing. Allele origin: germline.
Comment: This sequence change replaces proline, which is neutral and non-polar, with leucine, which is neutral and non-polar, at codon 63 of the MBD4 protein (p.Pro63Leu). This variant is not present in population databases (gnomAD no frequency). This variant has not been reported in the literature in individuals affected with MBD4-related conditions. Algorithms developed to predict the effect of missense changes on protein structure and function output the following: SIFT: "Not Available"; PolyPhen-2: "Benign"; Align-GVGD: "Not Available". The leucine amino acid residue is found in multiple mammalian species, which suggests that this missense change does not adversely affect protein function. In summary, the available evidence is currently insufficient to determine the role of this variant in disease. Therefore, it has been classified as a Variant of Uncertain Significance.

NM_001276270.2(MBD4):c.188C>T (p.Pro63Leu)

Gene: MBD4 (methyl-CpG binding domain 4, DNA glycosylase; minus strand). Cytogenetic location: 3q21.3.
Variant type: single nucleotide variant.
Coding change: c.188C>T on transcript NM_001276270.2 (MANE Select); coding-DNA position 188, C replaced by T.
Protein change: p.Pro63Leu; replaces proline 63 with leucine.
Molecular consequence: missense variant.
Genome position (GRCh38, 1-based): chr3:129,437,867, G>A on the plus strand (C>T on the coding strand, the complement: MBD4 is on the minus strand). VCF-style: chr3-129437867-G-A. GRCh37 (hg19) VCF-style: chr3-129156710-G-A.
Other names: c.188C>T, p.Pro63Leu (NM_001276271.2, NM_001276272.2, NM_001276273.2 and 1 more transcripts); short protein forms P63L.
Identifiers: ClinVar variation 2700476 (VCV002700476.3), dbSNP rs2530728446, ClinGen allele CA354468593.
Genomic context (GRCh38, chr3:129,437,867, plus strand): 5'-CGGCATTCTGTTCCTGCAGTAGCACCAAACTGAGCAGAAGCGATGGGTTCTTGTAGCAAG[G>A]GATTACATTCACTGCTTCTTTTTATCATCATTTGTTCCTCATCTTCTCCCACTCTTTCCA-3'
Protein context (NP_001263199.1, residues 53-73): MMIKRSSECN[Pro63Leu]LLQEPIASAQ